The following is an entry in ClinVar:

NM_201384.3(PLEC):c.5347G>A (p.Glu1783Lys)

Gene: PLEC (plectin; minus strand). Cytogenetic location: 8q24.3.
Variant type: single nucleotide variant.
Coding change: c.5347G>A on transcript NM_201384.3 (MANE Select); coding-DNA position 5347, G replaced by A.
Protein change: p.Glu1783Lys; replaces glutamic acid 1783 with lysine.
Molecular consequence: missense variant.
Genome position (GRCh38, 1-based): chr8:143,924,582, C>T on the plus strand (G>A on the coding strand, the complement: PLEC is on the minus strand). VCF-style: chr8-143924582-C-T. GRCh37 (hg19) VCF-style: chr8-144998750-C-T.
Other names: c.5428G>A, p.Glu1810Lys (NM_000445.5); c.5305G>A, p.Glu1769Lys (NM_201378.4); c.5281G>A, p.Glu1761Lys (NM_201379.3); c.5758G>A, p.Glu1920Lys (NM_201380.4); c.5251G>A, p.Glu1751Lys (NM_201381.3); c.5347G>A, p.Glu1783Lys (NM_201382.4); c.5359G>A, p.Glu1787Lys (NM_201383.3); c.5428G>A (NM_000445.3); short protein forms E1751K, E1761K, E1769K, E1783K, E1787K, E1810K, E1920K.
Identifiers: ClinVar variation 500914 (VCV000500914.12), dbSNP rs782042846, ClinGen allele CA4926384.

ClinVar aggregate classification (germline): Uncertain significance. Review status: criteria provided, multiple submitters, no conflicts (2 of 4 stars). 3 submissions from 3 submitters: Uncertain significance (3). Last evaluated 2024-03-09.

Conditions:
Inborn genetic diseases. Identifiers: MedGen C0950123, MeSH D030342.
Epidermolysis bullosa simplex 5B, with muscular dystrophy (EBS5B). Also called: EPIDERMOLYSIS BULLOSA SIMPLEX AND LIMB-GIRDLE MUSCULAR DYSTROPHY; Epidermolysis bullosa simplex with muscular dystrophy. Identifiers: Orphanet 257, MedGen C2931072, MONDO:0009181, OMIM 226670.
Epidermolysis bullosa simplex, Ogna type (EBS5A). Also called: Pidermolysis bullosa simplex 5A, Ogna type; EPIDERMOLYSIS BULLOSA SIMPLEX 5A, OGNA TYPE. Identifiers: Orphanet 79401, MedGen C0432317, MONDO:0007555, OMIM 131950.
Autosomal recessive limb-girdle muscular dystrophy type 2Q (LGMDR17). Also called: MUSCULAR DYSTROPHY, LIMB-GIRDLE, AUTOSOMAL RECESSIVE 17. Identifiers: Orphanet 254361, MedGen C3150989, MONDO:0013390, OMIM 613723.
Epidermolysis bullosa simplex 5C, with pyloric atresia (EBS5C). Also called: Epidermolysis bullosa simplex with pyloric atresia; PLEC1-Related Epidermolysis Bullosa with Pyloric Atresia; PLEC-Related Epidermolysis Bullosa with Pyloric Atresia. Identifiers: Orphanet 158684, MedGen C2677349, MONDO:0012807, OMIM 612138.
Epidermolysis bullosa simplex with nail dystrophy (EBS5D). Identifiers: MedGen C4225309, MONDO:0014661, OMIM 616487.

Allele frequency attached by ClinVar (database versions not stated): gnomAD 0.00001 and 0.00003; TOPMed 0.00003; gnomAD exomes 0.00006 and 0.00016; ExAC 0.00049.
gnomAD v4.1: 86 of 1,552,026 alleles (0.0055%); highest among the groups gnomAD compares: South Asian, 0.057%; no homozygotes.

Submissions (3):

Labcorp Genetics (formerly Invitae), Labcorp
Classification: Uncertain significance for Autosomal recessive limb-girdle muscular dystrophy type 2Q; Epidermolysis bullosa simplex, Ogna type; Epidermolysis bullosa simplex with nail dystrophy; Epidermolysis bullosa simplex 5C, with pyloric atresia; Epidermolysis bullosa simplex 5B, with muscular dystrophy. Last evaluated: 2024-03-09. Review status: criteria provided, single submitter. Criteria: Invitae Variant Classification Sherloc (09022015). Collection method: clinical testing. Allele origin: germline.
Comment: This sequence change replaces glutamic acid, which is acidic and polar, with lysine, which is basic and polar, at codon 1810 of the PLEC protein (p.Glu1810Lys). This variant is present in population databases (rs782042846, gnomAD 0.09%). This variant has not been reported in the literature in individuals affected with PLEC-related conditions. ClinVar contains an entry for this variant (Variation ID: 500914). Experimental studies and prediction algorithms are not available or were not evaluated, and the functional significance of this variant is currently unknown. In summary, the available evidence is currently insufficient to determine the role of this variant in disease. Therefore, it has been classified as a Variant of Uncertain Significance.

Ambry Genetics
Classification: Uncertain significance for Inborn genetic diseases. Last evaluated: 2023-11-29. Review status: criteria provided, single submitter. Criteria: Ambry Variant Classification Scheme 2023. Collection method: clinical testing. Allele origin: germline.

Eurofins Ntd Llc (ga)
Classification: Uncertain significance. Last evaluated: 2017-03-23. Review status: criteria provided, single submitter. Criteria: EGL Classification Definitions 2015. Collection method: clinical testing. Allele origin: germline. Observed: 1 variant allele, 1 heterozygote.